The following is an entry in ClinVar:

NM_001148.6(ANK2):c.9110A>G (p.Lys3037Arg)

Gene: ANK2 (ankyrin 2; plus strand). Cytogenetic location: 4q26.
Variant type: single nucleotide variant.
Coding change: c.9110A>G on transcript NM_001148.6 (MANE Select); coding-DNA position 9110, A replaced by G.
Protein change: p.Lys3037Arg; replaces lysine 3037 with arginine.
Molecular consequence: missense variant. On other transcripts: intron variant (68).
Genome position (GRCh38, 1-based): chr4:113,357,728, A>G. VCF-style: chr4-113357728-A-G. GRCh37 (hg19) VCF-style: chr4-114278884-A-G.
Other names: c.8876A>G, p.Lys2959Arg (NM_001386142.1); c.5510A>G, p.Lys1837Arg (NM_001386166.1); c.9251A>G, p.Lys3084Arg (NM_001386174.1); c.9227A>G, p.Lys3076Arg (NM_001386175.1); c.4412-3095A>G (NM_001386186.2, NM_001386148.2); c.4214-3095A>G (NM_001354269.3); c.4292-3095A>G (NM_001386187.2); c.4253-3095A>G (NM_001386147.1); and 35 more; short protein forms K2959R, K3076R, K3037R, K1837R, K3084R.
Identifiers: ClinVar variation 3539559 (VCV003539559.1).

ClinVar aggregate classification (germline): Uncertain significance (1 of 4 stars; one submission).

Conditions:
Cardiovascular phenotype. Identifiers: MedGen CN230736.

Submission:

Ambry Genetics
Classification: Uncertain significance for Cardiovascular phenotype. Last evaluated: 2024-08-19. Review status: criteria provided, single submitter. Criteria: Ambry Variant Classification Scheme 2023. Collection method: clinical testing. Allele origin: germline.
Comment: The p.K3037R variant (also known as c.9110A>G), located in coding exon 38 of the ANK2 gene, results from an A to G substitution at nucleotide position 9110. The lysine at codon 3037 is replaced by arginine, an amino acid with highly similar properties. This amino acid position is conserved. In addition, this alteration is predicted to be tolerated by in silico analysis. Based on the available evidence, the clinical significance of this variant remains unclear.